The following is an entry in ClinVar:

ClinVar aggregate classification (germline): Likely pathogenic (1 of 4 stars; one submission).

Conditions:
Junctional epidermolysis bullosa gravis of Herlitz. Also called: EPIDERMOLYSIS BULLOSA JUNCTIONALIS, HERLITZ TYPE; EPIDERMOLYSIS BULLOSA, JUNCTIONAL, HERLITZ-PEARSON TYPE; JEB-HERLITZ TYPE; EPIDERMOLYSIS BULLOSA, JUNCTIONAL 1B, SEVERE; Epidermolysis Bullosa Letalis; Herlitz-type junctional epidermolysis bullosa. Identifiers: Orphanet 79404, MedGen C0079683, MONDO:0009182, OMIM 226700.

Submission:

Myriad Genetics, Inc.
Classification: Likely pathogenic for Junctional epidermolysis bullosa gravis of Herlitz. Last evaluated: 2022-03-15. Review status: criteria provided, single submitter. Criteria: Myriad Women's Health Autosomal Recessive and X-Linked Classification Criteria (2021). Collection method: clinical testing. Allele origin: unknown.
Comment: NM_005562.2(LAMC2):c.1347delC(Y450Tfs*23) is expected to be pathogenic in the context of junctional epidermolysis bullosa, LAMC2-related. This variant is predicted to lead to an abnormal or absent protein product due to the creation of a premature termination codon in LAMC2, a gene where loss-of-function variants are known to be pathogenic. Please note: this variant was assessed in the context of healthy population screening.

NM_005562.3(LAMC2):c.1347del (p.Tyr450fs)

Gene: LAMC2 (laminin subunit gamma 2; plus strand). Cytogenetic location: 1q25.3.
Variant type: Deletion.
Coding change: c.1347del on transcript NM_005562.3 (MANE Select); coding-DNA position 1347, one base deleted (C; older notation c.1347delC).
Protein change: p.Tyr450fs; shifts the reading frame from tyrosine 450.
Molecular consequence: frameshift variant.
Genome position (GRCh38, 1-based): chr1:183,227,576, C deleted. VCF-style (leftmost placement, unchanged base first): chr1-183227575-TC-T. GRCh37 (hg19) VCF-style: chr1-183196710-TC-T.
Other names: c.1347del, p.Tyr450fs (NM_018891.3); short protein forms Y450fs.
Identifiers: ClinVar variation 1725241 (VCV001725241.2), dbSNP rs2526065086, ClinGen allele CA2580061628.